The following is an entry in ClinVar:

ClinVar aggregate classification (germline): Pathogenic/Likely pathogenic. Review status: criteria provided, multiple submitters, no conflicts (2 of 4 stars). 3 submissions from 3 submitters: Pathogenic (2); Likely pathogenic (1). Last evaluated 2023-11-20.

Conditions:
Autosomal recessive inherited pseudoxanthoma elasticum (PXE). Identifiers: Orphanet 758, MedGen CN032334, MONDO:0009925, OMIM 264800.
Pseudoxanthoma elasticum, forme fruste. Also called: Pseudoxanthoma Elasticum, Incomplete; PSEUDOXANTHOMA ELASTICUM, HETEROZYGOUS. Identifiers: Orphanet 758, MedGen C1867450, MONDO:0008333, OMIM 177850.
Arterial calcification, generalized, of infancy, 2. Identifiers: Orphanet 51608, MedGen C3276161, MONDO:0013768, OMIM 614473.

Submissions (3):

Labcorp Genetics (formerly Invitae), Labcorp
Classification: Pathogenic. Last evaluated: 2023-11-20. Review status: criteria provided, single submitter. Criteria: Invitae Variant Classification Sherloc (09022015). Collection method: clinical testing. Allele origin: germline.
Comment: This sequence change creates a premature translational stop signal (p.Leu780Trpfs*31) in the ABCC6 gene. It is expected to result in an absent or disrupted protein product. Loss-of-function variants in ABCC6 are known to be pathogenic (PMID: 11536079, 17617515). This variant is not present in population databases (gnomAD no frequency). This variant has not been reported in the literature in individuals affected with ABCC6-related conditions. ClinVar contains an entry for this variant (Variation ID: 803223). For these reasons, this variant has been classified as Pathogenic.

Fulgent Genetics
Classification: Likely pathogenic for Pseudoxanthoma elasticum, forme fruste; Autosomal recessive inherited pseudoxanthoma elasticum; Arterial calcification, generalized, of infancy, 2. Last evaluated: 2022-03-02. Review status: criteria provided, single submitter. Criteria: ACMG Guidelines, 2015. Collection method: clinical testing. Allele origin: unknown.

Mendelics
Classification: Pathogenic for Autosomal recessive inherited pseudoxanthoma elasticum. Last evaluated: 2019-05-28. Review status: criteria provided, single submitter. Criteria: Mendelics Assertion Criteria 2017. Collection method: clinical testing. Allele origin: unknown.

Literature cited by the submitters: PubMed 11536079 (cited by Labcorp Genetics (formerly Invitae), Labcorp); PubMed 17617515 (cited by Labcorp Genetics (formerly Invitae), Labcorp).

NM_001171.6(ABCC6):c.2338del (p.Leu780fs)

Gene: ABCC6 (ATP binding cassette subfamily C member 6; minus strand). Cytogenetic location: 16p13.11.
Variant type: Deletion.
Coding change: c.2338del on transcript NM_001171.6 (MANE Select); coding-DNA position 2338, one base deleted (C; older notation c.2338delC).
Protein change: p.Leu780fs; shifts the reading frame from leucine 780.
Molecular consequence: frameshift variant. On other transcripts: non-coding transcript variant (1).
Genome position (GRCh38, 1-based): chr16:16,178,875, G deleted on the plus strand (C on the coding strand, the reverse complement: ABCC6 is on the minus strand); the first of 5 consecutive G bases (chr16:16,178,875-16,178,879); deleting any one gives the same sequence. VCF-style (leftmost placement, unchanged base first): chr16-16178874-AG-A. GRCh37 (hg19) VCF-style: chr16-16272731-AG-A.
Other names: c.1996del, p.Leu666fs (NM_001351800.1); short protein forms L780fs, L666fs.
Identifiers: ClinVar variation 803223 (VCV000803223.8), dbSNP rs1596649191, ClinGen allele CA915946318.